The following is an entry in ClinVar:

ClinVar aggregate classification (germline): Uncertain significance (1 of 4 stars; one submission).

Conditions:
Progressive encephalopathy with leukodystrophy due to DECR deficiency. Identifiers: Orphanet 431361, MedGen C1857252, MONDO:0014464, OMIM 616034.

Submission:

Labcorp Genetics (formerly Invitae), Labcorp
Classification: Uncertain significance for Progressive encephalopathy with leukodystrophy due to DECR deficiency. Last evaluated: 2024-05-15. Review status: criteria provided, single submitter. Criteria: Invitae Variant Classification Sherloc (09022015). Collection method: clinical testing. Allele origin: germline.
Comment: This sequence change replaces histidine, which is basic and polar, with tyrosine, which is neutral and polar, at codon 46 of the NADK2 protein (p.His46Tyr). This variant is not present in population databases (gnomAD no frequency). This variant has not been reported in the literature in individuals affected with NADK2-related conditions. ClinVar contains an entry for this variant (Variation ID: 2120517). An algorithm developed to predict the effect of missense changes on protein structure and function (PolyPhen-2) suggests that this variant is likely to be tolerated. In summary, the available evidence is currently insufficient to determine the role of this variant in disease. Therefore, it has been classified as a Variant of Uncertain Significance.

NM_001085411.3(NADK2):c.136C>T (p.His46Tyr)

Genes: NADK2 (NAD kinase 2, mitochondrial; minus strand), LOC129993801 (ATAC-STARR-seq lymphoblastoid silent region 15972; plus strand). Cytogenetic location: 5p13.2.
Variant type: single nucleotide variant.
Coding change: c.136C>T on transcript NM_001085411.3 (MANE Select); coding-DNA position 136, C replaced by T.
Protein change: p.His46Tyr; replaces histidine 46 with tyrosine.
Molecular consequence: missense variant. On other transcripts: intron variant (2).
Genome position (GRCh38, 1-based): chr5:36,241,663, G>A on the plus strand (C>T on the coding strand, the complement: NADK2 is on the minus strand). VCF-style: chr5-36241663-G-A. GRCh37 (hg19) VCF-style: chr5-36241765-G-A.
Other names: c.-190+433C>T (NM_153013.5, NM_001287341.2); short protein forms H46Y.
Identifiers: ClinVar variation 2120517 (VCV002120517.4), dbSNP rs2546229958, ClinGen allele CA359447938.